The following is an entry in ClinVar:

NM_001303052.2(MYT1L):c.1672C>T (p.Arg558Cys)

Gene: MYT1L (myelin transcription factor 1 like; minus strand). Cytogenetic location: 2p25.3.
Variant type: single nucleotide variant.
Coding change: c.1672C>T on transcript NM_001303052.2 (MANE Select); coding-DNA position 1672, C replaced by T.
Protein change: p.Arg558Cys; replaces arginine 558 with cysteine.
Molecular consequence: missense variant.
Genome position (GRCh38, 1-based): chr2:1,912,057, G>A on the plus strand (C>T on the coding strand, the complement: MYT1L is on the minus strand). VCF-style: chr2-1912057-G-A. GRCh37 (hg19) VCF-style: chr2-1915829-G-A.
Other names: c.1672C>T, p.Arg558Cys (NM_001329844.2, NM_001329845.1, NM_001329851.3); c.1666C>T, p.Arg556Cys (NM_001329846.3, NM_001329847.2, NM_001329848.1 and 3 more transcripts); short protein forms R556C, R558C.
Identifiers: ClinVar variation 975966 (VCV000975966.1), dbSNP rs2052089346, ClinGen allele CA345701146.

ClinVar aggregate classification (germline): Likely pathogenic (1 of 4 stars; one submission).

Conditions:
Intellectual developmental disorder, autosomal dominant 39. Also called: Intellectual disability, autosomal dominant 39; Mental retardation, autosomal dominant 39. Identifiers: MedGen C4225296, MONDO:0014678, OMIM 616521.

Submission:

Institute of Human Genetics, University of Leipzig Medical Center
Classification: Likely pathogenic for Intellectual developmental disorder, autosomal dominant 39. Last evaluated: 2018-08-28. Review status: criteria provided, single submitter. Criteria: ACMG Guidelines, 2015. Collection method: clinical testing. Allele origin: de novo. Affected: yes. Observed: 1 variant allele.
Comment: This variant was identified as de novo (maternity and paternity confirmed).